The following is an entry in ClinVar:

NM_031407.7(HUWE1):c.3982A>G (p.Met1328Val)

Gene: HUWE1 (HECT, UBA and WWE domain containing E3 ubiquitin protein ligase 1; minus strand). Cytogenetic location: Xp11.22.
Variant type: single nucleotide variant.
Coding change: c.3982A>G on transcript NM_031407.7 (MANE Select); coding-DNA position 3982, A replaced by G.
Protein change: p.Met1328Val; replaces methionine 1328 with valine.
Molecular consequence: missense variant.
Genome position (GRCh38, 1-based): chrX:53,591,113, T>C on the plus strand (A>G on the coding strand, the complement: HUWE1 is on the minus strand). VCF-style: chrX-53591113-T-C. GRCh37 (hg19) VCF-style: chrX-53618073-T-C.
Other names: short protein forms M1328V.
Identifiers: ClinVar variation 375714 (VCV000375714.3), dbSNP rs1556978515, ClinGen allele CA413177409.

ClinVar aggregate classification (germline): Likely pathogenic. Review status: criteria provided, multiple submitters, no conflicts (2 of 4 stars). 2 submissions from 2 submitters: Likely pathogenic (2). Last evaluated 2023-12-28.

Conditions:
Intellectual developmental disorder, X-linked, syndromic, Turner type. Also called: Intellectual disability, X-linked syndromic, Turner type; X-linked intellectual disability, Turner type. Identifiers: Orphanet 3056, Orphanet 85328, MedGen C2678046, MONDO:0010407, OMIM 309590.

Submissions (2):

Department of Human Genetics, Hannover Medical School
Classification: Likely pathogenic for Intellectual developmental disorder, X-linked, syndromic, Turner type. Last evaluated: 2023-12-28. Review status: criteria provided, single submitter. Criteria: ACMG Guidelines, 2015. Collection method: clinical testing. Allele origin: germline. Affected: yes.

Center for Medical Genetics and Molecular Medicine, Haukeland University Hospital
Classification: Likely pathogenic for Intellectual developmental disorder, X-linked, syndromic, Turner type. Last evaluated: 2017-01-18. Review status: criteria provided, single submitter. Criteria: ACMG Guidelines, 2015. Collection method: clinical testing. Allele origin: de novo. Inheritance: X-linked inheritance. Affected: no. Observed: 1 variant allele.
Comment: ACMG evidence: PS(1), PM(1), PP(2)